The following is an entry in ClinVar:

ClinVar aggregate classification (germline): Pathogenic (1 of 4 stars; one submission).

Submission:

GeneDx
Classification: Pathogenic. Last evaluated: 2023-10-03. Review status: criteria provided, single submitter. Criteria: GeneDx Variant Classification Process June 2021. Collection method: clinical testing. Allele origin: germline. Affected: yes.
Comment: Nonsense variant predicted to result in protein truncation or nonsense mediated decay in a gene for which loss of function is a known mechanism of disease; Not observed at significant frequency in large population cohorts (gnomAD); Has not been previously published as pathogenic or benign to our knowledge

NM_013275.6(ANKRD11):c.7282G>T (p.Glu2428Ter)

Gene: ANKRD11 (ankyrin repeat domain containing 11; minus strand). Cytogenetic location: 16q24.3.
Variant type: single nucleotide variant.
Coding change: c.7282G>T on transcript NM_013275.6 (MANE Select); coding-DNA position 7282, G replaced by T.
Protein change: p.Glu2428Ter; replaces glutamic acid 2428 with a stop codon.
Molecular consequence: nonsense.
Genome position (GRCh38, 1-based): chr16:89,279,260, C>A on the plus strand (G>T on the coding strand, the complement: ANKRD11 is on the minus strand). VCF-style: chr16-89279260-C-A. GRCh37 (hg19) VCF-style: chr16-89345668-C-A.
Other names: c.7282G>T, p.Glu2428Ter (NM_001256182.2, NM_001256183.2); short protein forms E2428*.
Identifiers: ClinVar variation 3342323 (VCV003342323.1).